The following is an entry in ClinVar:

NM_001039.4(SCNN1G):c.1135G>A (p.Val379Met)

Gene: SCNN1G (sodium channel epithelial 1 subunit gamma; plus strand). Cytogenetic location: 16p12.2.
Variant type: single nucleotide variant.
Coding change: c.1135G>A on transcript NM_001039.4 (MANE Select); coding-DNA position 1135, G replaced by A.
Protein change: p.Val379Met; replaces valine 379 with methionine.
Molecular consequence: missense variant.
Genome position (GRCh38, 1-based): chr16:23,209,807, G>A. VCF-style: chr16-23209807-G-A. GRCh37 (hg19) VCF-style: chr16-23221128-G-A.
Other names: c.1135G>A (NM_001039.3); short protein forms V379M.
Identifiers: ClinVar variation 3579921 (VCV003579921.4).

ClinVar aggregate classification (germline): Uncertain significance. Review status: criteria provided, multiple submitters, no conflicts (2 of 4 stars). 4 submissions from 4 submitters: Uncertain significance (4). Last evaluated 2025-08-22.

Conditions:
Bronchiectasis with or without elevated sweat chloride 3 (BESC3). Identifiers: Orphanet 60033, MedGen C2751324, MONDO:0013112, OMIM 613071.
Liddle syndrome 2. Identifiers: MedGen C4748251, MONDO:0020854, OMIM 618114.
Pseudohypoaldosteronism, type IB3, autosomal recessive (PHA1B3). Identifiers: MedGen C5774256, MONDO:0859318, OMIM 620126.
Inborn genetic diseases. Identifiers: MedGen C0950123, MeSH D030342.

gnomAD v4.1: 52 of 1,613,950 alleles (0.0032%); highest among the groups gnomAD compares: Non-Finnish European, 0.0041%; no homozygotes.

Submissions (4):

Labcorp Genetics (formerly Invitae), Labcorp
Classification: Uncertain significance. Last evaluated: 2025-08-22. Review status: criteria provided, single submitter. Criteria: Invitae Variant Classification Sherloc (09022015). Collection method: clinical testing. Allele origin: germline.
Comment: This sequence change replaces valine, which is neutral and non-polar, with methionine, which is neutral and non-polar, at codon 379 of the SCNN1G protein (p.Val379Met). This variant is present in population databases (rs373515010, gnomAD 0.009%). This variant has not been reported in the literature in individuals affected with SCNN1G-related conditions. ClinVar contains an entry for this variant (Variation ID: 3579921). An algorithm developed to predict the effect of missense changes on protein structure and function (PolyPhen-2) suggests that this variant is likely to be disruptive. In summary, the available evidence is currently insufficient to determine the role of this variant in disease. Therefore, it has been classified as a Variant of Uncertain Significance.

Ambry Genetics
Classification: Uncertain significance for Inborn genetic diseases. Last evaluated: 2025-04-04. Review status: criteria provided, single submitter. Criteria: Ambry Variant Classification Scheme 2023. Collection method: clinical testing. Allele origin: germline.

Fulgent Genetics
Classification: Uncertain significance for Bronchiectasis with or without elevated sweat chloride 3; Liddle syndrome 2; Pseudohypoaldosteronism, type IB3, autosomal recessive. Last evaluated: 2024-03-28. Review status: criteria provided, single submitter. Criteria: ACMG Guidelines, 2015. Collection method: clinical testing. Allele origin: germline.

Blueprint Genetics
Classification: Uncertain significance. Last evaluated: 2023-03-23. Review status: criteria provided, single submitter. Criteria: ACMG Guidelines, 2015. Collection method: clinical testing. Allele origin: germline.